The following is an entry in ClinVar:

ClinVar aggregate classification (germline): Uncertain significance (1 of 4 stars; one submission).

Conditions:
Charcot-Marie-Tooth disease axonal type 2O. Also called: CHARCOT-MARIE-TOOTH NEUROPATHY, AXONAL, TYPE 2O; CHARCOT-MARIE-TOOTH DISEASE, AXONAL, AUTOSOMAL DOMINANT, TYPE 2O; Charcot-Marie-Tooth Neuropathy Type 2O; Charcot-Marie-Tooth disease, axonal, type 20. Identifiers: Orphanet 284232, MedGen C3280220, MONDO:0013644, OMIM 614228.

gnomAD v4.1: 2 of 1,614,184 alleles (0.00012%); highest among the groups gnomAD compares: Non-Finnish European, 0.00017%; no homozygotes.

Submission:

Labcorp Genetics (formerly Invitae), Labcorp
Classification: Uncertain significance for Charcot-Marie-Tooth disease axonal type 2O. Last evaluated: 2025-12-16. Review status: criteria provided, single submitter. Criteria: Invitae Variant Classification Sherloc (09022015). Collection method: clinical testing. Allele origin: germline.
Comment: This sequence change replaces arginine, which is basic and polar, with tryptophan, which is neutral and slightly polar, at codon 1806 of the DYNC1H1 protein (p.Arg1806Trp). This variant is not present in population databases (gnomAD no frequency). This variant has not been reported in the literature in individuals affected with DYNC1H1-related conditions. Invitae Evidence Modeling of protein sequence and biophysical properties (such as structural, functional, and spatial information, amino acid conservation, physicochemical variation, residue mobility, and thermodynamic stability) has been performed for this missense variant. However, the output from this modeling did not meet the statistical confidence thresholds required to predict the impact of this variant on DYNC1H1 protein function. In summary, the available evidence is currently insufficient to determine the role of this variant in disease. Therefore, it has been classified as a Variant of Uncertain Significance.

NM_001376.5(DYNC1H1):c.5416C>T (p.Arg1806Trp)

Gene: DYNC1H1 (dynein cytoplasmic 1 heavy chain 1; plus strand). Cytogenetic location: 14q32.31.
Variant type: single nucleotide variant.
Coding change: c.5416C>T on transcript NM_001376.5 (MANE Select); coding-DNA position 5416, C replaced by T.
Protein change: p.Arg1806Trp; replaces arginine 1806 with tryptophan.
Molecular consequence: missense variant.
Genome position (GRCh38, 1-based): chr14:102,005,219, C>T. VCF-style: chr14-102005219-C-T. GRCh37 (hg19) VCF-style: chr14-102471556-C-T.
Other names: short protein forms R1806W.
Identifiers: ClinVar variation 4707412 (VCV004707412.1).
Genomic context (GRCh38, chr14:102,005,219, plus strand): 5'-GAGGTCACCCTCAATGTGTTAGCAGACTCTGTCCTCATGGAGCAGCCCCCACTCCGAAGG[C>T]GGAAGCTAGAACACTTGGTTAGTCTCACACCTGACTCCTTCCTTACCAGTTAGACTCTTA-3'
Protein context (NP_001367.2, residues 1796-1816): VLMEQPPLRR[Arg1806Trp]KLEHLITELV